The following is an entry in ClinVar:

ClinVar aggregate classification (germline): Benign (1 of 4 stars; one submission).

Conditions:
Heterotaxy, visceral, 4, autosomal (HTX4). Identifiers: Orphanet 450, MedGen C3151057, MONDO:0013403, OMIM 613751.

Allele frequency attached by ClinVar (database versions not stated): gnomAD 0.00671 and 0.00709; TOPMed 0.00777; 1000 Genomes Project 0.00998; 1000 Genomes Project 30x 0.01031.

Submission:

Illumina Laboratory Services, Illumina
Classification: Benign for Heterotaxy, visceral, 4, autosomal. Last evaluated: 2018-01-13. Review status: criteria provided, single submitter. Criteria: ICSL Variant Classification Criteria 13 December 2019. Collection method: clinical testing. Allele origin: germline.
Comment: This variant was observed in the ICSL laboratory as part of a predisposition screen in an ostensibly healthy population. It had not been previously curated by ICSL or reported in the Human Gene Mutation Database (HGMD: prior to June 1st, 2018), and was therefore a candidate for classification through an automated scoring system. Utilizing variant allele frequency, disease prevalence and penetrance estimates, and inheritance mode, an automated score was calculated to assess if this variant is too frequent to cause the disease. Based on the score and internal cut-off values, a variant classified as benign is not then subjected to further curation. The score for this variant resulted in a classification of benign for this disease.

NM_001106.4(ACVR2B):c.*3956A>G

Gene: ACVR2B (activin A receptor type 2B; plus strand). Cytogenetic location: 3p22.2.
Variant type: single nucleotide variant.
Coding change: c.*3956A>G on transcript NM_001106.4 (MANE Select); 3956 bases downstream of the stop codon, A replaced by G.
Molecular consequence: 3 prime UTR variant.
Genome position (GRCh38, 1-based): chr3:38,487,288, A>G. VCF-style: chr3-38487288-A-G. GRCh37 (hg19) VCF-style: chr3-38528779-A-G.
Identifiers: ClinVar variation 344984 (VCV000344984.5), dbSNP rs77091454, ClinGen allele CA10616252.